The following is an entry in ClinVar:

NM_032451.2(SPIRE2):c.1473C>T (p.Pro491=)

Gene: SPIRE2 (spire type actin nucleation factor 2; plus strand). Cytogenetic location: 16q24.3.
Variant type: single nucleotide variant.
Coding change: c.1473C>T on transcript NM_032451.2 (MANE Select); coding-DNA position 1473, C replaced by T.
Protein change: p.Pro491=; no amino-acid change (proline 491 retained).
Molecular consequence: synonymous variant.
Genome position (GRCh38, 1-based): chr16:89,860,693, C>T. VCF-style: chr16-89860693-C-T. GRCh37 (hg19) VCF-style: chr16-89927101-C-T.
Identifiers: ClinVar variation 2647142 (VCV002647142.24), dbSNP rs143936823, ClinGen allele CA8253984.

ClinVar aggregate classification (germline): Likely benign (1 of 4 stars; one submission).

Allele frequency attached by ClinVar (database versions not stated): gnomAD exomes 0.00020; ESP Exome Variant Server 0.00039; 1000 Genomes Project 0.00040; 1000 Genomes Project 30x 0.00047; gnomAD 0.00051; TOPMed 0.00066; ExAC 0.00072.
gnomAD v4.1: 372 of 1,589,952 alleles (0.023%); highest among the groups gnomAD compares: Middle Eastern, 0.12%; 1 homozygote.

Submission:

CeGaT Center for Human Genetics Tuebingen
Classification: Likely benign. Last evaluated: 2022-12-01. Review status: criteria provided, single submitter. Criteria: CeGaT Center For Human Genetics Tuebingen Variant Classification Criteria Version 2. Collection method: clinical testing. Allele origin: germline. Affected: yes. Observed: 1 variant allele.
Comment: SPIRE2: BP4, BP7